The following is an entry in ClinVar:

ClinVar aggregate classification (germline): Uncertain significance (1 of 4 stars; one submission).

Conditions:
Fanconi anemia (FA). Also called: Fanconi's anemia. Identifiers: Orphanet 84, MedGen C0015625, MeSH D005199, MONDO:0019391.

Submission:

Labcorp Genetics (formerly Invitae), Labcorp
Classification: Uncertain significance for Fanconi anemia. Last evaluated: 2022-01-27. Review status: criteria provided, single submitter. Criteria: Invitae Variant Classification Sherloc (09022015). Collection method: clinical testing. Allele origin: germline.
Comment: This sequence change replaces asparagine, which is neutral and polar, with serine, which is neutral and polar, at codon 58 of the FANCC protein (p.Asn58Ser). This variant is not present in population databases (gnomAD no frequency). This variant has not been reported in the literature in individuals affected with FANCC-related conditions. ClinVar contains an entry for this variant (Variation ID: 942684). Algorithms developed to predict the effect of missense changes on protein structure and function output the following: SIFT: "Tolerated"; PolyPhen-2: "Benign"; Align-GVGD: "Class C0". The serine amino acid residue is found in multiple mammalian species, which suggests that this missense change does not adversely affect protein function. In summary, the available evidence is currently insufficient to determine the role of this variant in disease. Therefore, it has been classified as a Variant of Uncertain Significance.

NM_000136.3(FANCC):c.173A>G (p.Asn58Ser)

Gene: FANCC (FA complementation group C; minus strand). Cytogenetic location: 9q22.32.
Variant type: single nucleotide variant.
Coding change: c.173A>G on transcript NM_000136.3 (MANE Select); coding-DNA position 173, A replaced by G.
Protein change: p.Asn58Ser; replaces asparagine 58 with serine.
Molecular consequence: missense variant.
Genome position (GRCh38, 1-based): chr9:95,247,509, T>C on the plus strand (A>G on the coding strand, the complement: FANCC is on the minus strand). VCF-style: chr9-95247509-T-C. GRCh37 (hg19) VCF-style: chr9-98009791-T-C.
Other names: c.173A>G, p.Asn58Ser (NM_001243743.2, NM_001243744.2); short protein forms N58S.
Identifiers: ClinVar variation 942684 (VCV000942684.9), dbSNP rs1831061339, ClinGen allele CA374340154.